The following is an entry in ClinVar:

ClinVar aggregate classification (germline): Pathogenic (1 of 4 stars; one submission).

Conditions:
Ellis-van Creveld syndrome (EVC). Also called: MESOECTODERMAL DYSPLASIA; EVC-Related Ellis-van Creveld Syndrome; EVC2-Related Ellis-van Creveld Syndrome; Chondroectodermal dysplasia. Identifiers: Orphanet 289, MedGen C0013903, MONDO:0009162, OMIM 225500.
Curry-Hall syndrome (WAD). Also called: WEYERS ACRODENTAL DYSOSTOSIS. Identifiers: Orphanet 952, MedGen C0457013, MONDO:0008673, OMIM 193530.

Submission:

Labcorp Genetics (formerly Invitae), Labcorp
Classification: Pathogenic for Curry-Hall syndrome; Ellis-van Creveld syndrome. Last evaluated: 2018-12-05. Review status: criteria provided, single submitter. Criteria: Invitae Variant Classification Sherloc (09022015). Collection method: clinical testing. Allele origin: germline.
Comment: Loss-of-function variants in EVC are known to be pathogenic (PMID: 23220543). This variant has not been reported in the literature in individuals with EVC-related conditions. This variant is not present in population databases (ExAC no frequency). This sequence change creates a premature translational stop signal (p.Met242Asnfs*5) in the EVC gene. It is expected to result in an absent or disrupted protein product. For these reasons, this variant has been classified as Pathogenic.

Literature cited by the submitters: PubMed 23220543.

NM_153717.3(EVC):c.724dup (p.Met242fs)

Gene: EVC (EvC ciliary complex subunit 1; plus strand). Cytogenetic location: 4p16.2.
Variant type: Duplication.
Coding change: c.724dup on transcript NM_153717.3 (MANE Select); coding-DNA position 724, one base duplicated (A; older notation c.724dupA).
Protein change: p.Met242fs; shifts the reading frame from methionine 242.
Molecular consequence: frameshift variant.
Genome position (GRCh38, 1-based): chr4:5,741,737, A duplicated; the last of 4 consecutive A bases (chr4:5,741,734-5,741,737); duplicating any one gives the same sequence. VCF-style (leftmost placement, unchanged base first): chr4-5741733-T-TA. GRCh37 (hg19) VCF-style: chr4-5743460-T-TA.
Other names: c.724dupA (NM_153717.2); c.724dup, p.Met242fs (NM_001306090.2, NM_001306092.2); short protein forms M242fs.
Identifiers: ClinVar variation 645928 (VCV000645928.7), dbSNP rs1577395250, ClinGen allele CA915943008.